The following is an entry in ClinVar:

NM_203447.4(DOCK8):c.3260C>T (p.Pro1087Leu)

Gene: DOCK8 (dedicator of cytokinesis 8; plus strand). Cytogenetic location: 9p24.3.
Variant type: single nucleotide variant.
Coding change: c.3260C>T on transcript NM_203447.4 (MANE Select); coding-DNA position 3260, C replaced by T.
Protein change: p.Pro1087Leu; replaces proline 1087 with leucine.
Molecular consequence: missense variant.
Genome position (GRCh38, 1-based): chr9:404,943, C>T. VCF-style: chr9-404943-C-T. GRCh37 (hg19) VCF-style: chr9-404943-C-T.
Other names: c.2960C>T, p.Pro987Leu (NM_001190458.2); c.3056C>T, p.Pro1019Leu (NM_001193536.2); short protein forms P1019L, P1087L, P987L.
Identifiers: ClinVar variation 1912064 (VCV001912064.6), dbSNP rs769817587, ClinGen allele CA4958620.

ClinVar aggregate classification (germline): Uncertain significance. Review status: criteria provided, multiple submitters, no conflicts (2 of 4 stars). 2 submissions from 2 submitters: Uncertain significance (2). Last evaluated 2024-05-06.

Conditions:
Combined immunodeficiency due to DOCK8 deficiency (HIES2). Also called: HIES autosomal recessive; HYPER-IgE SYNDROME 2, AUTOSOMAL RECESSIVE, WITH RECURRENT INFECTIONS; Hyper-IgE recurrent infection syndrome, autosomal recessive; DOCK8 Deficiency; HYPER-IgE RECURRENT INFECTION SYNDROME 2, AUTOSOMAL RECESSIVE. Identifiers: Orphanet 217390, MedGen C4722305, MONDO:0009478, OMIM 243700.

Allele frequency attached by ClinVar (database versions not stated): gnomAD 0.00001; ExAC 0.00002; gnomAD exomes 0.00004.
gnomAD v4.1: 22 of 1,613,924 alleles (0.0014%); highest among the groups gnomAD compares: East Asian, 0.049%; no homozygotes.

Submissions (2):

Labcorp Genetics (formerly Invitae), Labcorp
Classification: Uncertain significance for Combined immunodeficiency due to DOCK8 deficiency. Last evaluated: 2024-05-06. Review status: criteria provided, single submitter. Criteria: Invitae Variant Classification Sherloc (09022015). Collection method: clinical testing. Allele origin: germline.
Comment: This sequence change replaces proline, which is neutral and non-polar, with leucine, which is neutral and non-polar, at codon 1087 of the DOCK8 protein (p.Pro1087Leu). This variant is present in population databases (rs769817587, gnomAD 0.01%). This variant has not been reported in the literature in individuals affected with DOCK8-related conditions. ClinVar contains an entry for this variant (Variation ID: 1912064). Advanced modeling of protein sequence and biophysical properties (such as structural, functional, and spatial information, amino acid conservation, physicochemical variation, residue mobility, and thermodynamic stability) performed at Invitae indicates that this missense variant is not expected to disrupt DOCK8 protein function with a negative predictive value of 80%. In summary, the available evidence is currently insufficient to determine the role of this variant in disease. Therefore, it has been classified as a Variant of Uncertain Significance.

Blueprint Genetics
Classification: Uncertain significance. Last evaluated: 2019-07-30. Review status: criteria provided, single submitter. Criteria: ACMG Guidelines, 2015. Collection method: clinical testing. Allele origin: germline.